The following is an entry in ClinVar:

NM_145046.5(CALR3):c.863A>G (p.Gln288Arg)

Gene: CALR3 (calreticulin 3; minus strand). Cytogenetic location: 19p13.11.
Variant type: single nucleotide variant.
Coding change: c.863A>G on transcript NM_145046.5 (MANE Select); coding-DNA position 863, A replaced by G.
Protein change: p.Gln288Arg; replaces glutamine 288 with arginine.
Molecular consequence: missense variant.
Genome position (GRCh38, 1-based): chr19:16,482,505, T>C on the plus strand (A>G on the coding strand, the complement: CALR3 is on the minus strand). VCF-style: chr19-16482505-T-C. GRCh37 (hg19) VCF-style: chr19-16593316-T-C.
Other names: short protein forms Q288R.
Identifiers: ClinVar variation 3673554 (VCV003673554.2).

ClinVar aggregate classification (germline): Uncertain significance (1 of 4 stars; one submission).

Conditions:
Hypertrophic cardiomyopathy 19. Also called: Familial hypertrophic cardiomyopathy 19. Identifiers: MedGen CN077603, MONDO:0013476.

Submission:

Labcorp Genetics (formerly Invitae), Labcorp
Classification: Uncertain significance for Hypertrophic cardiomyopathy 19. Last evaluated: 2025-02-16. Review status: criteria provided, single submitter. Criteria: Invitae Variant Classification Sherloc (09022015). Collection method: clinical testing. Allele origin: germline.
Comment: This sequence change replaces glutamine, which is neutral and polar, with arginine, which is basic and polar, at codon 288 of the CALR3 protein (p.Gln288Arg). This variant is present in population databases (rs201922129, gnomAD 0.002%). This variant has not been reported in the literature in individuals affected with CALR3-related conditions. Invitae Evidence Modeling of protein sequence and biophysical properties (such as structural, functional, and spatial information, amino acid conservation, physicochemical variation, residue mobility, and thermodynamic stability) indicates that this missense variant is not expected to disrupt CALR3 protein function with a negative predictive value of 80%. Algorithms developed to predict the effect of sequence changes on RNA splicing suggest that this variant may create or strengthen a splice site. In summary, the available evidence is currently insufficient to determine the role of this variant in disease. Therefore, it has been classified as a Variant of Uncertain Significance.